The following is an entry in ClinVar:

NM_014516.4(CNOT3):c.2043_2050del (p.Lys682fs)

Gene: CNOT3 (CCR4-NOT transcription complex subunit 3; plus strand). Cytogenetic location: 19q13.42.
Variant type: Deletion.
Coding change: c.2043_2050del on transcript NM_014516.4 (MANE Select); coding-DNA positions 2043 to 2050, 8 bases deleted (TAAGGCAC; older notation c.2043_2050delTAAGGCAC).
Protein change: p.Lys682fs; shifts the reading frame from lysine 682.
Molecular consequence: frameshift variant.
Genome position (GRCh38, 1-based): chr19:54,153,720-54,153,727, TAAGGCAC deleted; deleting any 8 consecutive bases within chr19:54,153,715-54,153,727 gives the same sequence; the c. name uses the placement nearest the transcript's 3' end. VCF-style (leftmost placement, unchanged base first): chr19-54153714-GGGCACTAA-G. GRCh37 (hg19) VCF-style: chr19-54657451-GGGCACTAA-G.
Other names: short protein forms K682fs.
Identifiers: ClinVar variation 3387816 (VCV003387816.1).

ClinVar aggregate classification (germline): Pathogenic (1 of 4 stars; one submission).

Conditions:
Intellectual developmental disorder with speech delay, autism, and dysmorphic facies. Identifiers: MedGen C5231456, MONDO:0032864, OMIM 618672.

Submission:

Cytogenetique et Genetique Moleculaire, CHU Besancon
Classification: Pathogenic for Intellectual developmental disorder with speech delay, autism, and dysmorphic facies. Last evaluated: 2023-08-13. Review status: criteria provided, single submitter. Criteria: ACMG Guidelines, 2015. Collection method: clinical testing. Allele origin: germline. Affected: yes.
Comment: The NM_014516.4:c.2043_2050del variant is an frameshift variant in CNOT3 which is predicted to result in a premature stop codon, and likely results in an absent or disrupted protein product (PVS1). This variant is not present in gnomAD (PM2; v4.1.0). In summary, this variant meets criteria to be classified as pathogenic for CNOT3-related neurodevelopmental disorders based on the ACMG/AMP criteria applied (PVS1 PM2 PM6).